The following is an entry in ClinVar:

NM_000512.5(GALNS):c.425A>T (p.His142Leu)

Gene: GALNS (galactosamine (N-acetyl)-6-sulfatase; minus strand). Cytogenetic location: 16q24.3.
Variant type: single nucleotide variant.
Coding change: c.425A>T on transcript NM_000512.5 (MANE Select); coding-DNA position 425, A replaced by T.
Protein change: p.His142Leu; replaces histidine 142 with leucine.
Molecular consequence: missense variant. On other transcripts: 5 prime UTR variant (1).
Genome position (GRCh38, 1-based): chr16:88,837,763, T>A on the plus strand (A>T on the coding strand, the complement: GALNS is on the minus strand). VCF-style: chr16-88837763-T-A. GRCh37 (hg19) VCF-style: chr16-88904171-T-A.
Other names: c.-131A>T (NM_001323543.2); c.443A>T, p.His148Leu (NM_001323544.2); short protein forms H142L, H148L.
Identifiers: ClinVar variation 836229 (VCV000836229.14), dbSNP rs1288895691, ClinGen allele CA397083867.

ClinVar aggregate classification (germline): Likely pathogenic. Review status: criteria provided, multiple submitters, no conflicts (2 of 4 stars). 3 submissions from 3 submitters: Likely pathogenic (3). Last evaluated 2024-07-23.

Conditions:
Mucopolysaccharidosis, MPS-IV-A (MPS4A). Also called: MPS IVA; Morquio syndrome A, mild; GALACTOSAMINE-6-SULFATASE DEFICIENCY; GALNS DEFICIENCY; MORQUIO A DISEASE; Mucopolysaccharidosis type IV A. Identifiers: Orphanet 309297, Orphanet 582, MedGen C0086651, MONDO:0009659, OMIM 253000.
Morquio syndrome. Also called: Mucopolysaccharidosis type 4; Mucopolysaccharidosis, Type IV; MPS IV; Eccentrochondrodysplasia. Identifiers: Orphanet 582, MedGen C0026707, MONDO:0018938.

gnomAD v4.1: 3 of 1,613,962 alleles (0.00019%); highest among the groups gnomAD compares: Admixed American, 0.0033%; no homozygotes.

Submissions (3):

Women's Health and Genetics/Laboratory Corporation of America, LabCorp
Classification: Likely pathogenic for Morquio syndrome. Last evaluated: 2024-07-23. Review status: criteria provided, single submitter. Criteria: LabCorp Variant Classification Summary - May 2015. Collection method: clinical testing. Allele origin: germline.
Comment: Variant summary: GALNS c.425A>T (p.His142Leu) results in a non-conservative amino acid change located in the Sulfatase, N-terminal domain (IPR000917) of the encoded protein sequence. Five of five in-silico tools predict a damaging effect of the variant on protein function. Consensus agreement among computation tools predict no significant impact on normal splicing. However, these predictions have yet to be confirmed by functional studies. The variant allele was found at a frequency of 4e-06 in 250976 control chromosomes (gnomAD). c.425A>T has been reported in the literature in individuals affected with Mucopolysaccharidosis Type IVA (e.g. Caciotti_2015, Tapiero-Rodriguez_2018, Moreno Giraldo_2018, Pachajoa_2021). These data indicate that the variant is likely to be associated with disease. To our knowledge, no experimental evidence demonstrating an impact on protein function has been reported. The following publications have been ascertained in the context of this evaluation (PMID: 25545067, 34542925, 29731656, 30094185). ClinVar contains an entry for this variant (Variation ID: 836229). Based on the evidence outlined above, the variant was classified as likely pathogenic.

Labcorp Genetics (formerly Invitae), Labcorp
Classification: Likely pathogenic for Mucopolysaccharidosis, MPS-IV-A. Last evaluated: 2023-11-24. Review status: criteria provided, single submitter. Criteria: Invitae Variant Classification Sherloc (09022015). Collection method: clinical testing. Allele origin: germline.
Comment: This sequence change replaces histidine, which is basic and polar, with leucine, which is neutral and non-polar, at codon 142 of the GALNS protein (p.His142Leu). This variant is present in population databases (no rsID available, gnomAD 0.003%). This missense change has been observed in individual(s) with mucopolysaccharidosis IVA (PMID: 25545067, 29731656, 30094185, 34542925). ClinVar contains an entry for this variant (Variation ID: 836229). An algorithm developed to predict the effect of missense changes on protein structure and function (PolyPhen-2) suggests that this variant is likely to be disruptive. This variant disrupts the p.His142 amino acid residue in GALNS. Other variant(s) that disrupt this residue have been observed in individuals with GALNS-related conditions (PMID: 20574428, 25252036, 25545067), which suggests that this may be a clinically significant amino acid residue. In summary, the currently available evidence indicates that the variant is pathogenic, but additional data are needed to prove that conclusively. Therefore, this variant has been classified as Likely Pathogenic.

Laboratory of Diagnosis and Therapy of Lysosomal Disorders, University of Padova
Classification: Likely pathogenic for Mucopolysaccharidosis, MPS-IV-A. Last evaluated: 2021-02-01. Review status: criteria provided, single submitter. Criteria: ACMG Guidelines, 2015. Collection method: curation. Allele origin: germline. Affected: yes.
Comment: The prevalence of the variant in affected individuals is significantly increased compared with the prevalence in controls (PS4_strong); located in a mutational hot spot and/or critical and well-established functional domain without benign variation (PM1_moderate); very low frequency in gnomAD v2.1.1 (PM2_moderate); multiple lines of computational evidence support a deleterious effect on the gene (PP3_supporting)

Literature cited by the submitters: PubMed 29731656 (cited by 3 submitters); PubMed 25545067 (cited by 3 submitters); PubMed 30094185 (cited by 3 submitters); PubMed 34542925 (cited by Women's Health and Genetics/Laboratory Corporation of America, LabCorp and Labcorp Genetics (formerly Invitae), Labcorp); PubMed 20574428 (cited by Labcorp Genetics (formerly Invitae), Labcorp); PubMed 25252036 (cited by Labcorp Genetics (formerly Invitae), Labcorp); PubMed 34387910 (cited by Laboratory of Diagnosis and Therapy of Lysosomal Disorders, University of Padova).